The following is an entry in ClinVar:

ClinVar aggregate classification (germline): Pathogenic (1 of 4 stars; one submission).

Conditions:
Hereditary spastic paraplegia 15 (SPG15). Also called: SPASTIC PARAPLEGIA 15, AUTOSOMAL RECESSIVE; KJELLIN SYNDROME; SPASTIC PARAPLEGIA AND RETINAL DEGENERATION. Identifiers: Orphanet 100996, MedGen C1849128, MONDO:0010044, OMIM 270700.

Submission:

Myriad Genetics, Inc.
Classification: Pathogenic for Hereditary spastic paraplegia 15. Last evaluated: 2023-09-27. Review status: criteria provided, single submitter. Criteria: Myriad Autosomal Dominant, Autosomal Recessive and X-Linked Classification Criteria (2023). Collection method: clinical testing. Allele origin: unknown.
Comment: NM_015346.3(ZFYVE26):c.51dupT(G18Wfs*86) is expected to be pathogenic in the context of spastic paraplegia type 15. This variant is predicted to lead to an abnormal or absent protein product due to the creation of a premature termination codon in ZFYVE26, a gene where loss-of-function variants are known to be pathogenic. Please note: this variant was assessed in the context of healthy population screening.

NM_015346.4(ZFYVE26):c.51dup (p.Gly18fs)

Gene: ZFYVE26 (zinc finger FYVE-type containing 26; minus strand). Cytogenetic location: 14q24.1.
Variant type: Duplication.
Coding change: c.51dup on transcript NM_015346.4 (MANE Select); coding-DNA position 51, one base duplicated (T; older notation c.51dupT).
Protein change: p.Gly18fs; shifts the reading frame from glycine 18.
Molecular consequence: frameshift variant.
Genome position (GRCh38, 1-based): chr14:67,815,913, A duplicated on the plus strand (T on the coding strand, the reverse complement: ZFYVE26 is on the minus strand); the first of 5 consecutive A bases (chr14:67,815,913-67,815,917); duplicating any one gives the same sequence. VCF-style (leftmost placement, unchanged base first): chr14-67815912-C-CA. GRCh37 (hg19) VCF-style: chr14-68282629-C-CA.
Other names: short protein forms G18fs.
Identifiers: ClinVar variation 5011958 (VCV005011958.1).